The following is an entry in ClinVar:

ClinVar aggregate classification (germline): Uncertain significance. Review status: criteria provided, multiple submitters, no conflicts (2 of 4 stars). 3 submissions from 3 submitters: Uncertain significance (3). Last evaluated 2025-05-02.

Conditions:
Cardiovascular phenotype. Identifiers: MedGen CN230736.
Arrhythmogenic cardiomyopathy with wooly hair and keratoderma. Also called: PALMOPLANTAR KERATODERMA WITH LEFT VENTRICULAR CARDIOMYOPATHY AND WOOLLY HAIR; Carvajal syndrome; Dilated cardiomyopathy with woolly hair and keratoderma; Arrhythmogenic cardiomyopathy with woolly hair and keratoderma. Identifiers: Orphanet 65282, MedGen C1854063, MONDO:0011581, OMIM 605676.

Allele frequency attached by ClinVar (database versions not stated): gnomAD exomes below 0.00001.

Submissions (3):

Ambry Genetics
Classification: Uncertain significance for Cardiovascular phenotype. Last evaluated: 2025-05-02. Review status: criteria provided, single submitter. Criteria: Ambry Variant Classification Scheme 2023. Collection method: clinical testing. Allele origin: germline.
Comment: The p.F747V variant (also known as c.2239T>G), located in coding exon 16 of the DSP gene, results from a T to G substitution at nucleotide position 2239. The phenylalanine at codon 747 is replaced by valine, an amino acid with highly similar properties. This amino acid position is conserved. In addition, this alteration is predicted to be tolerated by in silico analysis. Based on the available evidence, the clinical significance of this variant remains unclear.

All of Us Research Program, National Institutes of Health
Classification: Uncertain significance for Arrhythmogenic cardiomyopathy with wooly hair and keratoderma. Last evaluated: 2023-10-02. Review status: criteria provided, single submitter. Criteria: ACMG Guidelines, 2015. Collection method: clinical testing. Allele origin: germline. Inheritance: Autosomal dominant inheritance. Observed: 1 variant allele, 1 heterozygote.
Comment: This missense variant replaces phenylalanine with valine at codon 747 of the DSP protein. Computational prediction suggests that this variant may not impact protein structure and function (internally defined REVEL score threshold <= 0.5, PMID: 27666373). To our knowledge, functional studies have not been reported for this variant. This variant has not been reported in individuals affected with DSP-related disorders in the literature. This variant has not been identified in the general population by the Genome Aggregation Database (gnomAD). The available evidence is insufficient to determine the role of this variant in disease conclusively. Therefore, this variant is classified as a Variant of Uncertain Significance.

This study involves interpretation of variants in research participants for the purpose of population health screening. Participant phenotype was not available at the time of variant classification. Additional details can be found in publication PMID: 35346344, PMCID: PMC8962531

CeGaT Center for Human Genetics Tuebingen
Classification: Uncertain significance. Last evaluated: 2022-12-01. Review status: criteria provided, single submitter. Criteria: CeGaT Center For Human Genetics Tuebingen Variant Classification Criteria Version 2. Collection method: clinical testing. Allele origin: germline. Affected: yes. Observed: 1 variant allele.
Comment: DSP: PM2, BP4

NM_004415.4(DSP):c.2239T>G (p.Phe747Val)

Gene: DSP (desmoplakin; plus strand). Cytogenetic location: 6p24.3.
Variant type: single nucleotide variant.
Coding change: c.2239T>G on transcript NM_004415.4 (MANE Select); coding-DNA position 2239, T replaced by G.
Protein change: p.Phe747Val; replaces phenylalanine 747 with valine.
Molecular consequence: missense variant.
Genome position (GRCh38, 1-based): chr6:7,574,194, T>G. VCF-style: chr6-7574194-T-G. GRCh37 (hg19) VCF-style: chr6-7574427-T-G.
Other names: c.2239T>G, p.Phe747Val (NM_001008844.3, NM_001319034.2); short protein forms F747V.
Identifiers: ClinVar variation 2656212 (VCV002656212.25), dbSNP rs2533903719, ClinGen allele CA362680877.